The following is an entry in ClinVar:

NM_053025.4(MYLK):c.467G>C (p.Trp156Ser)

Gene: MYLK (myosin light chain kinase; minus strand). Cytogenetic location: 3q21.1.
Variant type: single nucleotide variant.
Coding change: c.467G>C on transcript NM_053025.4 (MANE Select); coding-DNA position 467, G replaced by C.
Protein change: p.Trp156Ser; replaces tryptophan 156 with serine.
Molecular consequence: missense variant. On other transcripts: 5 prime UTR variant (1).
Genome position (GRCh38, 1-based): chr3:123,739,018, C>G on the plus strand (G>C on the coding strand, the complement: MYLK is on the minus strand). VCF-style: chr3-123739018-C-G. GRCh37 (hg19) VCF-style: chr3-123457865-C-G.
Other names: c.-62G>C (NM_001321309.2); c.467G>C, p.Trp156Ser (NM_053026.4, NM_053027.4, NM_053028.4); short protein forms W156S.
Identifiers: ClinVar variation 4843595 (VCV004843595.1).

ClinVar aggregate classification (germline): Uncertain significance (1 of 4 stars; one submission).

Conditions:
Familial thoracic aortic aneurysm and aortic dissection (TAAD). Also called: Thoracic aortic aneurysms and dissections. Identifiers: Orphanet 91387, MedGen C4707243, MONDO:0019625.

gnomAD v4.1: 35 of 1,613,922 alleles (0.0022%); highest among the groups gnomAD compares: Non-Finnish European, 0.003%; no homozygotes.

Submission:

Ambry Genetics
Classification: Uncertain significance for Familial thoracic aortic aneurysm and aortic dissection. Last evaluated: 2025-12-21. Review status: criteria provided, single submitter. Criteria: Ambry Variant Classification Scheme 2023. Collection method: clinical testing. Allele origin: germline.
Comment: The p.W156S variant (also known as c.467G>C), located in coding exon 4 of the MYLK gene, results from a G to C substitution at nucleotide position 467. The tryptophan at codon 156 is replaced by serine, an amino acid with highly dissimilar properties. This amino acid position is conserved. In addition, the in silico prediction for this alteration is inconclusive. Based on the available evidence, the clinical significance of this variant remains unclear.